The following is an entry in ClinVar:

ClinVar aggregate classification (germline): Pathogenic (1 of 4 stars; one submission).

Conditions:
Hereditary hemorrhagic telangiectasia (HHT). Also called: ORW DISEASE; Osler Weber Rendu syndrome; OSLER-RENDU-WEBER DISEASE; Osler hemorrhagic telangiectasia syndrome. Identifiers: Orphanet 774, MedGen C0039445, MONDO:0019180. Disease mechanism: loss of function.

Submission:

Labcorp Genetics (formerly Invitae), Labcorp
Classification: Pathogenic for Hereditary hemorrhagic telangiectasia. Last evaluated: 2017-04-03. Review status: criteria provided, single submitter. Criteria: Invitae Variant Classification Sherloc (09022015). Collection method: clinical testing. Allele origin: germline.
Comment: This sequence change deletes 1 nucleotide from exon 3 of the ENG mRNA (c.244delC), causing a frameshift at codon 82. This creates a premature translational stop signal (p.Leu82Serfs*20) and is expected to result in an absent or disrupted protein product. While this particular variant has not been reported in the literature, loss-of-function variants in ENG are known to be pathogenic (PMID: 21158752, 12673790). For these reasons, this variant has been classified as Pathogenic.

Literature cited by the submitters: PubMed 21158752; PubMed 12673790.

NM_001114753.3(ENG):c.244del (p.Leu82fs)

Gene: ENG (endoglin; minus strand). Cytogenetic location: 9q34.11.
Variant type: Deletion.
Coding change: c.244del on transcript NM_001114753.3 (MANE Select); coding-DNA position 244, one base deleted (C; older notation c.244delC).
Protein change: p.Leu82fs; shifts the reading frame from leucine 82.
Molecular consequence: frameshift variant. On other transcripts: 5 prime UTR variant (1).
Genome position (GRCh38, 1-based): chr9:127,829,803, G deleted on the plus strand (C on the coding strand, the reverse complement: ENG is on the minus strand). VCF-style (leftmost placement, unchanged base first): chr9-127829802-AG-A. GRCh37 (hg19) VCF-style: chr9-130592081-AG-A.
Other names: c.244delC, p.Leu82Serfs (NM_000118.4, NM_001406715.1); c.-303del (NM_001278138.2); c.244delC (NM_000118.3); short protein forms L82fs.
Identifiers: ClinVar variation 458345 (VCV000458345.9), dbSNP rs1554810921, ClinGen allele CA658656047.
Genomic context (GRCh38, chr9:127,829,802, plus strand): 5'-TTTACACTGAGGACCAGAAGCACCTCTCGGGGCCAGGTGCCATTTTGCTTGGATGCCTGG[AG>A]AGTCAGCTCCAGCTGTGACGGGCCCTGGGGGACACAGAGGAGAGACACACACAGTCCAGT-3'